The following is an entry in ClinVar:

NM_001164760.2(PRKAR1B):c.287G>A (p.Arg96Gln)

Gene: PRKAR1B (protein kinase cAMP-dependent type I regulatory subunit beta; minus strand). Cytogenetic location: 7p22.3.
Variant type: single nucleotide variant.
Coding change: c.287G>A on transcript NM_001164760.2 (MANE Select); coding-DNA position 287, G replaced by A.
Protein change: p.Arg96Gln; replaces arginine 96 with glutamine.
Molecular consequence: missense variant.
Genome position (GRCh38, 1-based): chr7:680,617, C>T on the plus strand (G>A on the coding strand, the complement: PRKAR1B is on the minus strand). VCF-style: chr7-680617-C-T. GRCh37 (hg19) VCF-style: chr7-720254-C-T.
Other names: c.287G>A, p.Arg96Gln (NM_001164758.2, NM_001164759.1, NM_001164761.2 and 2 more transcripts); short protein forms R96Q.
Identifiers: ClinVar variation 5027352 (VCV005027352.1).
Genomic context (GRCh38, chr7:680,617, plus strand): 5'-TTCCTGACGTAGGACACGGCGTCCTCCTCGGTGTACACCTCGGCACTCACGCCTCCTCGC[C>T]GGCGGCGGGCCTTCACCACAGGGTTCGGGGGGGTGGGCGACACCTCCTCATCATGGGAGT-3'
Protein context (NP_001158232.1, residues 86-106): PPNPVVKARR[Arg96Gln]RGGVSAEVYT

ClinVar aggregate classification (germline): Uncertain significance (1 of 4 stars; one submission).

gnomAD v4.1: 2 of 1,597,012 alleles (0.00013%); highest among the groups gnomAD compares: Non-Finnish European, 0.00017%; no homozygotes.

Submission:

Ambry Genetics
Classification: Uncertain significance. Last evaluated: 2026-07-19. Review status: criteria provided, single submitter. Criteria: Ambry Variant Classification Scheme 2023. Collection method: clinical testing. Allele origin: germline.
Comment: The c.287G>A (p.R96Q) alteration is located in exon 3 (coding exon 2) of the PRKAR1B gene. This alteration results from a G to A substitution at nucleotide position 287, causing the arginine (R) at amino acid position 96 to be replaced by a glutamine (Q). Based on data from gnomAD, the A allele has an overall frequency of <0.001% (0/248820) total alleles studied. The highest observed frequency was <0.001% (/) of alleles. Based on insufficient or conflicting evidence, the clinical significance of this alteration remains unclear.